The following is an entry in ClinVar:

NM_022124.6(CDH23):c.4662C>A (p.Asp1554Glu)

Gene: CDH23 (cadherin related 23; plus strand). Cytogenetic location: 10q22.1.
Variant type: single nucleotide variant.
Coding change: c.4662C>A on transcript NM_022124.6 (MANE Select); coding-DNA position 4662, C replaced by A.
Protein change: p.Asp1554Glu; replaces aspartic acid 1554 with glutamic acid.
Molecular consequence: missense variant.
Genome position (GRCh38, 1-based): chr10:71,741,738, C>A. VCF-style: chr10-71741738-C-A. GRCh37 (hg19) VCF-style: chr10-73501495-C-A.
Other names: short protein forms D1554E.
Identifiers: ClinVar variation 631639 (VCV000631639.17), dbSNP rs771353319, ClinGen allele CA5545120.

ClinVar aggregate classification (germline): Conflicting classifications of pathogenicity. Review status: criteria provided, conflicting classifications (1 of 4 stars). 8 submissions from 8 submitters: Likely pathogenic (3); Uncertain significance (4). 1 of the submissions does not count toward it. Last evaluated 2026-01-24.

Conditions:
Usher syndrome type 1D (USH1D). Also called: USHER SYNDROME, TYPE ID. Identifiers: Orphanet 231169, Orphanet 886, MedGen C1832845, MONDO:0010984, OMIM 601067.
Usher syndrome type 1 (USH1). Also called: RETINITIS PIGMENTOSA AND CONGENITAL DEAFNESS. Identifiers: Orphanet 231169, Orphanet 886, MedGen C1568247, MONDO:0010168, OMIM 276900.
Monogenic hearing loss.
Autosomal recessive nonsyndromic hearing loss 12. Also called: DEAFNESS, AUTOSOMAL RECESSIVE 12. Identifiers: Orphanet 90636, MedGen C1832394, MONDO:0011067, OMIM 601386.
Pituitary adenoma 5, multiple types. Identifiers: MedGen C4539685, MONDO:0054601, OMIM 617540.

Allele frequency attached by ClinVar (database versions not stated): ExAC 0.00001; gnomAD exomes 0.00001 and 0.00002; TOPMed 0.00001.
gnomAD v4.1: 35 of 1,612,190 alleles (0.0022%); highest among the groups gnomAD compares: Non-Finnish European, 0.003%; no homozygotes.

Submissions (8):

GeneDx
Classification: Likely pathogenic. Last evaluated: 2026-01-24. Review status: criteria provided, single submitter. Criteria: GeneDx Variant Classification Process June 2021. Collection method: clinical testing. Allele origin: germline. Affected: yes.
Comment: Not observed at significant frequency in large population cohorts (gnomAD); In silico analysis supports that this missense variant has a deleterious effect on protein structure/function; This variant is associated with the following publications: (PMID: 21940737)

North West Genomic Laboratory Hub, Manchester University NHS Foundation Trust
Classification: Likely pathogenic for Monogenic hearing loss. Last evaluated: 2026-01-16. Review status: criteria provided, single submitter. Criteria: ACGS Best Practice Guidelines for Variant Classification in Rare Disease 2024. Collection method: clinical testing. Allele origin: germline. Affected: yes.
Comment: PP3_Supp PM2_Mod PM3_Str

Fulgent Genetics
Classification: Likely pathogenic for Usher syndrome type 1D; Autosomal recessive nonsyndromic hearing loss 12; Pituitary adenoma 5, multiple types. Last evaluated: 2024-01-05. Review status: criteria provided, single submitter. Criteria: ACMG Guidelines, 2015. Collection method: clinical testing. Allele origin: germline.

Women's Health and Genetics/Laboratory Corporation of America, LabCorp
Classification: Uncertain significance. Last evaluated: 2023-07-07. Review status: criteria provided, single submitter. Criteria: LabCorp Variant Classification Summary - May 2015. Collection method: clinical testing. Allele origin: germline.
Comment: Variant summary: CDH23 c.4662C>A (p.Asp1554Glu) results in a conservative amino acid change to a highly conserved residue (HGMD) in the encoded protein sequence. Four of five in-silico tools predict a damaging effect of the variant on protein function. The variant allele was found at a frequency of 1.2e-05 in 245388 control chromosomes (gnomAD). c.4662C>A has been reported in the literature in two related individuals affected with nonsyndromic deafness who had other (likely) pathogenic variants in trans (Schultz_2011). Two other members of this family were compound heterozygous with other variants and were diagnosed with Usher syndrome type 1. These data indicate that the variant may be associated with with a milder form of disease. To our knowledge, no experimental evidence demonstrating an impact on protein function has been reported. The following publication has been ascertained in the context of this evaluation (PMID: 21940737). Six submitters have cited clinical-significance assessments for this variant to ClinVar after 2014, and classified it as uncertain significance (n=5) or likely pathogenic (n=1). Based on the evidence outlined above, the variant was classified as VUS-possibly pathogenic.

Labcorp Genetics (formerly Invitae), Labcorp
Classification: Uncertain significance. Last evaluated: 2022-06-20. Review status: criteria provided, single submitter. Criteria: Invitae Variant Classification Sherloc (09022015). Collection method: clinical testing. Allele origin: germline.
Comment: This sequence change replaces aspartic acid, which is acidic and polar, with glutamic acid, which is acidic and polar, at codon 1554 of the CDH23 protein (p.Asp1554Glu). This variant is present in population databases (rs771353319, gnomAD 0.003%). This missense change has been observed in individual(s) with deafness (PMID: 21940737). In at least one individual the data is consistent with being in trans (on the opposite chromosome) from a pathogenic variant. ClinVar contains an entry for this variant (Variation ID: 631639). Algorithms developed to predict the effect of missense changes on protein structure and function are either unavailable or do not agree on the potential impact of this missense change (SIFT: "Deleterious"; PolyPhen-2: "Not Available"; Align-GVGD: "Class C35"). In summary, the available evidence is currently insufficient to determine the role of this variant in disease. Therefore, it has been classified as a Variant of Uncertain Significance.

Laboratory for Molecular Medicine, Mass General Brigham Personalized Medicine
Classification: Uncertain significance. Last evaluated: 2019-12-23. Review status: criteria provided, single submitter. Criteria: LMM Criteria. Collection method: clinical testing. Allele origin: germline. Observed: 1 variant allele.
Comment: Variant classified as Uncertain Significance - Favor Pathogenic. Of interest, the proband's mother and brother had clinical features of Usher syndrome due to additional CDH23 variants; however, the p.Asp1554Glu variant was only observed in the family members with nonsydromic hearing loss suggesting that it may be associated with the DFNB12 nonsyndromic hearing loss phenotype. This variant was identified in 0.003% (3/111102) of European chromosomes by gnomAD. Computational prediction tools and conservation analyses suggest that this variant may impact the protein, though this information is not predictive enough to determine pathogenicity. In summary, while there is some suspicion for a pathogenic role, the clinical significance of this variant is uncertain. ACMG/AMP Criteria applied: PM2, PM3, PP3.

Illumina Laboratory Services, Illumina
Classification: Uncertain significance for Usher syndrome type 1D. Last evaluated: 2017-08-21. Review status: criteria provided, single submitter. Criteria: ICSL Variant Classification Criteria 13 December 2019. Collection method: clinical testing. Allele origin: germline.

Natera, Inc.
Classification: Uncertain significance for Usher syndrome type 1. Last evaluated: 2020-09-16. Review status: no assertion criteria provided. Collection method: clinical testing. Allele origin: germline. Not counted in ClinVar's aggregate classification.

Literature cited by the submitters: PubMed 21940737 (cited by 3 submitters).